The following is an entry in ClinVar:

NM_014956.5(CEP164):c.1489G>C (p.Gly497Arg)

Gene: CEP164 (centrosomal protein 164; plus strand). Cytogenetic location: 11q23.3.
Variant type: single nucleotide variant.
Coding change: c.1489G>C on transcript NM_014956.5 (MANE Select); coding-DNA position 1489, G replaced by C.
Protein change: p.Gly497Arg; replaces glycine 497 with arginine.
Molecular consequence: missense variant.
Genome position (GRCh38, 1-based): chr11:117,381,780, G>C. VCF-style: chr11-117381780-G-C. GRCh37 (hg19) VCF-style: chr11-117252496-G-C.
Other names: c.1498G>C, p.Gly500Arg (NM_001271933.2, NM_001440949.1, NM_001440961.1 and 1 more transcripts); c.1489G>C, p.Gly497Arg (NM_001440950.1, NM_001440951.1, NM_001440953.1 and 10 more transcripts); c.1471G>C, p.Gly491Arg (NM_001440952.1, NM_001440968.1, NM_001440969.1 and 1 more transcripts); c.1411G>C, p.Gly471Arg (NM_001440954.1, NM_001440955.1, NM_001440958.1 and 12 more transcripts); c.1549G>C, p.Gly517Arg (NM_001440956.1, NM_001440957.1); c.1360G>C, p.Gly454Arg (NM_001440960.1); c.1330G>C, p.Gly444Arg (NM_001440972.1); short protein forms G444R, G454R, G497R, G500R, G471R, G491R, G517R.
Identifiers: ClinVar variation 4999507 (VCV004999507.1).

ClinVar aggregate classification (germline): Uncertain significance (1 of 4 stars; one submission).

Conditions:
CEP164-related disorder. Also called: CEP164-related condition.

gnomAD v4.1: 15 of 1,591,640 alleles (0.00094%); highest among the groups gnomAD compares: Non-Finnish European, 0.0011%; no homozygotes.

Submission:

PreventionGenetics, part of Exact Sciences
Classification: Uncertain significance for CEP164-related condition. Last evaluated: 2025-04-24. Review status: criteria provided, single submitter. Criteria: ACMG Guidelines, 2015. Collection method: clinical testing. Allele origin: germline.
Comment: The CEP164 c.1489G>C variant is predicted to result in the amino acid substitution p.Gly497Arg. To our knowledge, this variant has not been reported in the literature or in a large population database (gnomAD), indicating this variant is rare. At this time, the clinical significance of this variant is uncertain due to the absence of conclusive functional and genetic evidence.